The following is an entry in ClinVar:

ClinVar aggregate classification (germline): Likely benign (0 of 4 stars; one submission).

Conditions:
MAP3K20-related disorder. Also called: MAP3K20-related condition.

Submission:

PreventionGenetics, part of Exact Sciences
Classification: Likely benign for MAP3K20-related condition. Last evaluated: 2023-02-07. Review status: no assertion criteria provided. Collection method: clinical testing. Allele origin: germline.
Comment: This variant is classified as likely benign based on ACMG/AMP sequence variant interpretation guidelines (Richards et al. 2015 PMID: 25741868, with internal and published modifications).

NM_016653.3(MAP3K20):c.987+4224GAT[6]

Genes: MAP3K20 (mitogen-activated protein kinase kinase kinase 20; plus strand), MAP3K20-AS1 (MAP3K20 antisense RNA 1; minus strand). Cytogenetic location: 2q31.1.
Variant type: Microsatellite.
Coding change: c.987+4224GAT[6] on transcript NM_016653.3 (MANE Select); six copies in a row of the 3-base unit GAT starting at c.987+4224.
Molecular consequence: intron variant.
Genome position: GRCh38 VCF-style: chr2-173221473-C-CGAT. GRCh37 (hg19) VCF-style: chr2-174086201-C-CGAT.
Other names: c.1314TGA[6], p.Asp443_Gly444insAsp (NM_133646.3).
Identifiers: ClinVar variation 3034647 (VCV003034647.2), dbSNP rs575630590, ClinGen allele CA1970669.